The following is an entry in ClinVar:

NM_000352.6(ABCC8):c.3039G>A (p.Ser1013=)

Gene: ABCC8 (ATP binding cassette subfamily C member 8; minus strand). Cytogenetic location: 11p15.1.
Variant type: single nucleotide variant.
Coding change: c.3039G>A on transcript NM_000352.6 (MANE Select); coding-DNA position 3039, G replaced by A.
Protein change: p.Ser1013=; no amino-acid change (serine 1013 retained).
Molecular consequence: synonymous variant. On other transcripts: non-coding transcript variant (1).
Genome position (GRCh38, 1-based): chr11:17,407,011, C>T on the plus strand (G>A on the coding strand, the complement: ABCC8 is on the minus strand). VCF-style: chr11-17407011-C-T. GRCh37 (hg19) VCF-style: chr11-17428558-C-T.
Other names: c.3042G>A, p.Ser1014= (NM_001287174.3); c.3105G>A, p.Ser1035= (NM_001351295.2); c.3039G>A, p.Ser1013= (NM_001351296.2); c.3036G>A, p.Ser1012= (NM_001351297.2).
Identifiers: ClinVar variation 732046 (VCV000732046.13), dbSNP rs17846762, ClinGen allele CA5902932.

ClinVar aggregate classification (germline): Conflicting classifications of pathogenicity. Review status: criteria provided, conflicting classifications (1 of 4 stars). 5 submissions from 4 submitters: Uncertain significance (2); Benign (1); Likely benign (1). 1 of the submissions does not count toward it. Last evaluated 2026-01-28.

Conditions:
Transitory neonatal diabetes mellitus. Also called: Transient neonatal diabetes mellitus. Identifiers: MedGen C0342273, MONDO:0020525, HP:0008255.
Maturity-onset diabetes of the young (MODY). Also called: Maturity onset diabetes mellitus in young. Identifiers: Orphanet 552, MedGen C0342276, MONDO:0018911, HP:0004904.
Hereditary hyperinsulinism.

Allele frequency attached by ClinVar (database versions not stated): gnomAD 0.00009 and 0.00013; TOPMed 0.00009; 1000 Genomes Project 0.00060; 1000 Genomes Project 30x 0.00062.
gnomAD v4.1: 132 of 1,614,212 alleles (0.0082%); highest among the groups gnomAD compares: East Asian, 0.15%; 2 homozygotes.

Submissions (5):

Labcorp Genetics (formerly Invitae), Labcorp
Classification: Benign. Last evaluated: 2026-01-28. Review status: criteria provided, single submitter. Criteria: Invitae Variant Classification Sherloc (09022015). Collection method: clinical testing. Allele origin: germline.

Blueprint Genetics
Classification: Likely benign. Last evaluated: 2024-04-17. Review status: criteria provided, single submitter. Criteria: ACMG Guidelines, 2015. Collection method: clinical testing. Allele origin: germline.

Clinical Genomics, Uppaluri K&H Personalized Medicine Clinic
Classification: Uncertain significance for Maturity-onset diabetes of the young. Review status: criteria provided, single submitter. Criteria: K & H Uppaluri Personalized Medicine Clinic Variant Classification & Assertion Criteria_Updated V.1. Collection method: research. Allele origin: unknown. Inheritance: Somatic mutation.
Comment: Mutations in ABCC8 gene are associated with both neonatal diabetes mellitus as well as MODY. Patients with this mutation may have a better response to sulfonylureas. However, no sufficient evidence is found to ascertain the role of this particular variant (rs17846762) in MODY yet.

Clinical Genomics, Uppaluri K&H Personalized Medicine Clinic
Classification: Uncertain significance for Transitory neonatal diabetes mellitus. Review status: criteria provided, single submitter. Criteria: K & H Uppaluri Personalized Medicine Clinic Variant Classification & Assertion Criteria_Updated V.1. Collection method: research. Allele origin: unknown. Inheritance: Somatic mutation.
Comment: Mutations in ABCC8 gene are associated with both neonatal diabetes mellitus as well as MODY. Patients with this mutation may have a better response to sulfonylureas. However, no sufficient evidence is found to ascertain the role of this particular variant (rs17846762) in neonatal diabetes yet.

Natera, Inc.
Classification: Likely benign for Hereditary hyperinsulinism. Last evaluated: 2020-06-17. Review status: no assertion criteria provided. Collection method: clinical testing. Allele origin: germline. Not counted in ClinVar's aggregate classification.

Literature cited by the submitters: PubMed 16885549 (cited by Clinical Genomics, Uppaluri K&H Personalized Medicine Clinic); PubMed 21989597 (cited by Clinical Genomics, Uppaluri K&H Personalized Medicine Clinic); PubMed 27538677 (cited by Clinical Genomics, Uppaluri K&H Personalized Medicine Clinic); PubMed 18981553 (cited by Clinical Genomics, Uppaluri K&H Personalized Medicine Clinic); PubMed 32027066 (cited by Clinical Genomics, Uppaluri K&H Personalized Medicine Clinic); PubMed 16613899 (cited by Clinical Genomics, Uppaluri K&H Personalized Medicine Clinic); PubMed 18025408 (cited by Clinical Genomics, Uppaluri K&H Personalized Medicine Clinic); PubMed 32792356 (cited by Clinical Genomics, Uppaluri K&H Personalized Medicine Clinic).